The following is an entry in ClinVar:

NM_001754.5(RUNX1):c.412G>A (p.Glu138Lys)

Genes: RUNX1 (RUNX family transcription factor 1; minus strand), RUNX1-AS1 (RUNX1 antisense RNA 1; plus strand). Cytogenetic location: 21q22.12.
Variant type: single nucleotide variant.
Coding change: c.412G>A on transcript NM_001754.5 (MANE Select); coding-DNA position 412, G replaced by A.
Protein change: p.Glu138Lys; replaces glutamic acid 138 with lysine.
Molecular consequence: missense variant.
Genome position (GRCh38, 1-based): chr21:34,880,653, C>T on the plus strand (G>A on the coding strand, the complement: RUNX1 is on the minus strand). VCF-style: chr21-34880653-C-T. GRCh37 (hg19) VCF-style: chr21-36252950-C-T.
Other names: NM_001754.5(RUNX1):c.412G>A; p.Glu138Lys; c.331G>A, p.Glu111Lys (NM_001001890.3, NM_001122607.2); short protein forms E111K, E138K.
Identifiers: ClinVar variation 967968 (VCV000967968.11), dbSNP rs2057888324, ClinGen allele CA410202667.

ClinVar aggregate classification (germline): Uncertain significance. Review status: reviewed by expert panel (3 of 4 stars). 2 submissions from 2 submitters: Uncertain significance (1). 1 of the submissions does not count toward it. Last evaluated 2024-10-29.

Conditions:
Hereditary thrombocytopenia and hematologic cancer predisposition syndrome. Identifiers: Orphanet 71290, MedGen CN281654, MONDO:0011071.
Hereditary thrombocytopenia and hematological cancer predisposition syndrome associated with RUNX1. Also called: Familial Platelet Disorder with Propensity to Acute Myelogenous Leukemia; Familial thrombocytopenia with propensity to acute myelogenous leukemia; RUNX1 Familial Platelet Disorder with Associated Myeloid Malignancies; PLATELET DISORDER, ASPIRIN-LIKE. Identifiers: Orphanet 71290, MedGen C1832388, MeSH C563324, MONDO:0100083, OMIM 601399.

Submissions (2):

ClinGen Myeloid Malignancy Variant Curation Expert Panel
Classification: Uncertain significance for Hereditary thrombocytopenia and hematologic cancer predisposition syndrome. Last evaluated: 2024-10-29. Review status: reviewed by expert panel. Criteria: ClinGen MyeloMalig ACMG Specifications v2. Collection method: curation. Allele origin: germline. Inheritance: Autosomal dominant inheritance.
Comment: NM_001754.5(RUNX1):c.412G>A (p.Glu138Lys) is a missense variant which has a REVEL score of 0.945, which is ≥ 0.88 (PP3). This variant is located within the Runt Homology Domain (AA 89-204), but does not occur in an established hotspot residue (PM1_supporting). It is also absent from population databases (PM2_supporting). In summary, the clinical significance of this variant is uncertain. ACMG/AMP criteria applied, as specified by the Myeloid Malignancy Variant Curation Expert Panel for RUNX1: PP3, PM1_supporting, PM2_supporting.

Labcorp Genetics (formerly Invitae), Labcorp
Classification: Uncertain significance for Hereditary thrombocytopenia and hematological cancer predisposition syndrome associated with RUNX1. Last evaluated: 2020-09-01. Review status: criteria provided, single submitter. Criteria: Invitae Variant Classification Sherloc (09022015). Collection method: clinical testing. Allele origin: germline. Not counted in ClinVar's aggregate classification.
Comment: Algorithms developed to predict the effect of missense changes on protein structure and function are either unavailable or do not agree on the potential impact of this missense change (SIFT: "Deleterious"; PolyPhen-2: "Probably Damaging"; Align-GVGD: "Class C0"). In summary, the available evidence is currently insufficient to determine the role of this variant in disease. Therefore, it has been classified as a Variant of Uncertain Significance. This variant has not been reported in the literature in individuals with RUNX1-related conditions. ClinVar contains an entry for this variant (Variation ID: 967968). This sequence change replaces glutamic acid with lysine at codon 138 of the RUNX1 protein (p.Glu138Lys). The glutamic acid residue is moderately conserved and there is a small physicochemical difference between glutamic acid and lysine. This variant is not present in population databases (ExAC no frequency).